The following is an entry in ClinVar:

NM_005475.3(SH2B3):c.623A>T (p.Glu208Val)

Gene: SH2B3 (SH2B adaptor protein 3; plus strand). Cytogenetic location: 12q24.12.
Variant type: single nucleotide variant.
Coding change: c.623A>T on transcript NM_005475.3 (MANE Select); coding-DNA position 623, A replaced by T.
Protein change: p.Glu208Val; replaces glutamic acid 208 with valine.
Molecular consequence: missense variant.
Genome position (GRCh38, 1-based): chr12:111,418,768, A>T. VCF-style: chr12-111418768-A-T. GRCh37 (hg19) VCF-style: chr12-111856572-A-T.
Other names: short protein forms E208V.
Identifiers: ClinVar variation 4864414 (VCV004864414.1).

ClinVar aggregate classification (germline): Uncertain significance (1 of 4 stars; one submission).

Conditions:
Inborn genetic diseases. Identifiers: MedGen C0950123, MeSH D030342.

Submission:

Ambry Genetics
Classification: Uncertain significance for Inborn genetic diseases. Last evaluated: 2026-04-10. Review status: criteria provided, single submitter. Criteria: Ambry Variant Classification Scheme 2023. Collection method: clinical testing. Allele origin: germline.
Comment: The p.E208V variant (also known as c.623A>T), located in coding exon 1 of the SH2B3 gene, results from an A to T substitution at nucleotide position 623. The glutamic acid at codon 208 is replaced by valine, an amino acid with dissimilar properties. This amino acid position is conserved. In addition, this alteration is predicted to be tolerated by in silico analysis. Based on the available evidence, the clinical significance of this variant remains unclear.